The following is an entry in ClinVar:

NM_005215.4(DCC):c.2576C>T (p.Ala859Val)

Gene: DCC (DCC netrin 1 receptor; plus strand). Cytogenetic location: 18q21.2.
Variant type: single nucleotide variant.
Coding change: c.2576C>T on transcript NM_005215.4 (MANE Select); coding-DNA position 2576, C replaced by T.
Protein change: p.Ala859Val; replaces alanine 859 with valine.
Molecular consequence: missense variant.
Genome position (GRCh38, 1-based): chr18:53,391,775, C>T. VCF-style: chr18-53391775-C-T. GRCh37 (hg19) VCF-style: chr18-50918145-C-T.
Other names: short protein forms A859V.
Identifiers: ClinVar variation 1312382 (VCV001312382.2), dbSNP rs755931743, ClinGen allele CA8967228.

ClinVar aggregate classification (germline): Uncertain significance (1 of 4 stars; one submission).

Allele frequency attached by ClinVar (database versions not stated): gnomAD 0.00001; TOPMed 0.00002; gnomAD exomes 0.00004 and 0.00010; ExAC 0.00010.
gnomAD v4.1: 25 of 1,613,834 alleles (0.0015%); highest among the groups gnomAD compares: Admixed American, 0.042%; no homozygotes.

Submission:

GeneDx
Classification: Uncertain significance. Last evaluated: 2019-09-26. Review status: criteria provided, single submitter. Criteria: GeneDx Variant Classification Process June 2021. Collection method: clinical testing. Allele origin: germline. Affected: yes.
Comment: In silico analysis, which includes protein predictors and evolutionary conservation, supports that this variant does not alter protein structure/function; Has not been previously published as pathogenic or benign to our knowledge